The following is an entry in ClinVar:

ClinVar aggregate classification (germline): Uncertain significance (1 of 4 stars; one submission).

Conditions:
Hereditary cancer-predisposing syndrome. Also called: Neoplastic Syndromes, Hereditary; Tumor predisposition; Hereditary Cancer Syndrome; Hereditary neoplastic syndrome. Identifiers: Orphanet 140162, MedGen C0027672, MeSH D009386, MONDO:0015356.

Submission:

Ambry Genetics
Classification: Uncertain significance for Hereditary cancer-predisposing syndrome. Last evaluated: 2026-03-15. Review status: criteria provided, single submitter. Criteria: Ambry Variant Classification Scheme 2023. Collection method: clinical testing. Allele origin: germline.
Comment: The p.Q84L variant (also known as c.251A>T), located in coding exon 2 of the BLM gene, results from an A to T substitution at nucleotide position 251. The glutamine at codon 84 is replaced by leucine, an amino acid with dissimilar properties. This amino acid position is conserved. In addition, this alteration is predicted to be tolerated by in silico analysis. Based on the available evidence, the clinical significance of this variant remains unclear.

NM_000057.4(BLM):c.251A>T (p.Gln84Leu)

Gene: BLM (BLM RecQ like helicase; plus strand). Cytogenetic location: 15q26.1.
Variant type: single nucleotide variant.
Coding change: c.251A>T on transcript NM_000057.4 (MANE Select); coding-DNA position 251, A replaced by T.
Protein change: p.Gln84Leu; replaces glutamine 84 with leucine.
Molecular consequence: missense variant. On other transcripts: 5 prime UTR variant (1).
Genome position (GRCh38, 1-based): chr15:90,749,519, A>T. VCF-style: chr15-90749519-A-T. GRCh37 (hg19) VCF-style: chr15-91292749-A-T.
Other names: c.251A>T, p.Gln84Leu (NM_001287246.2, NM_001287247.2); c.-1041A>T (NM_001287248.2); short protein forms Q84L.
Identifiers: ClinVar variation 4867469 (VCV004867469.1).